The following is an entry in ClinVar:

NM_001754.5(RUNX1):c.585C>T (p.Ile195=)

Genes: RUNX1 (RUNX family transcription factor 1; minus strand), RUNX1-AS1 (RUNX1 antisense RNA 1; plus strand). Cytogenetic location: 21q22.12.
Variant type: single nucleotide variant.
Coding change: c.585C>T on transcript NM_001754.5 (MANE Select); coding-DNA position 585, C replaced by T.
Protein change: p.Ile195=; no amino-acid change (isoleucine 195 retained).
Molecular consequence: synonymous variant.
Genome position (GRCh38, 1-based): chr21:34,859,502, G>A on the plus strand (C>T on the coding strand, the complement: RUNX1 is on the minus strand). VCF-style: chr21-34859502-G-A. GRCh37 (hg19) VCF-style: chr21-36231799-G-A.
Other names: NM_001754.5(RUNX1):c.585C>T; p.Ile195=; c.504C>T, p.Ile168= (NM_001001890.3, NM_001122607.2).
Identifiers: ClinVar variation 897773 (VCV000897773.10), dbSNP rs2057541413, ClinGen allele CA512319085.

ClinVar aggregate classification (germline): Likely benign. Review status: reviewed by expert panel (3 of 4 stars). 4 submissions from 4 submitters: Likely benign (1). 3 of the submissions do not count toward it. Last evaluated 2024-09-10.

Conditions:
Inborn genetic diseases. Identifiers: MedGen C0950123, MeSH D030342.
Hereditary thrombocytopenia and hematological cancer predisposition syndrome associated with RUNX1. Also called: PLATELET DISORDER, ASPIRIN-LIKE; RUNX1 Familial Platelet Disorder with Associated Myeloid Malignancies; Familial Platelet Disorder with Propensity to Acute Myelogenous Leukemia; Familial thrombocytopenia with propensity to acute myelogenous leukemia. Identifiers: Orphanet 71290, MedGen C1832388, MeSH C563324, MONDO:0100083, OMIM 601399.
Hereditary thrombocytopenia and hematologic cancer predisposition syndrome. Identifiers: Orphanet 71290, MedGen CN281654, MONDO:0011071.

Allele frequency attached by ClinVar (database versions not stated): TOPMed below 0.00001; gnomAD 0.00003; gnomAD exomes below 0.00001.
gnomAD v4.1: 7 of 1,613,982 alleles (0.00043%); highest among the groups gnomAD compares: Admixed American, 0.0083%; no homozygotes.

Submissions (4):

ClinGen Myeloid Malignancy Variant Curation Expert Panel
Classification: Likely benign for Hereditary thrombocytopenia and hematologic cancer predisposition syndrome. Last evaluated: 2024-09-10. Review status: reviewed by expert panel. Criteria: ClinGen MyeloMalig ACMG Specifications v2. Collection method: curation. Allele origin: germline. Inheritance: Autosomal dominant inheritance.
Comment: NM_001754.5(RUNX1):c.585C>T (p.Ile195=) is a synonymous variant which has a SpliceAI score ≤ 0.20 (0.0) (BP4). This variant has a SpliceAI score ≤ 0.20 (0.0) and evolutionary conservation algorithms predict the site as not being conserved (PhyloP score ≤ 2.0 (1.02) (BP7). In summary, this variant meets criteria to be classified as likely benign. ACMG/AMP criteria applied, as specified by the Myeloid Malignancy Variant Curation Expert Panel for RUNX1: BP4, BP7.

Ambry Genetics
Classification: Likely benign for Inborn genetic diseases. Last evaluated: 2026-07-04. Review status: criteria provided, single submitter. Criteria: Ambry Variant Classification Scheme 2023. Collection method: clinical testing. Allele origin: germline. Not counted in ClinVar's aggregate classification.

Labcorp Genetics (formerly Invitae), Labcorp
Classification: Likely benign for Hereditary thrombocytopenia and hematological cancer predisposition syndrome associated with RUNX1. Last evaluated: 2022-06-14. Review status: criteria provided, single submitter. Criteria: Invitae Variant Classification Sherloc (09022015). Collection method: clinical testing. Allele origin: germline. Not counted in ClinVar's aggregate classification.

Illumina Laboratory Services, Illumina
Classification: Uncertain significance for Hereditary thrombocytopenia and hematological cancer predisposition syndrome associated with RUNX1. Last evaluated: 2018-01-13. Review status: criteria provided, single submitter. Criteria: ICSL Variant Classification Criteria 13 December 2019. Collection method: clinical testing. Allele origin: germline. Not counted in ClinVar's aggregate classification.